The following is an entry in ClinVar:

ClinVar aggregate classification (germline): Conflicting classifications of pathogenicity. Review status: criteria provided, conflicting classifications (1 of 4 stars). 2 submissions from 2 submitters: Uncertain significance (1); Benign (1). Last evaluated 2025-12-02.

Conditions:
Senior-Loken syndrome 5 (SLSN5). Identifiers: Orphanet 3156, MedGen C1836517, MONDO:0012225, OMIM 609254.
Nephronophthisis. Also called: Juvenile Nephronophthisis. Identifiers: Orphanet 655, MedGen C0687120, MONDO:0019005, HP:0000090.

Allele frequency attached by ClinVar (database versions not stated): gnomAD 0.00002 and 0.00010; TOPMed 0.00002; gnomAD exomes 0.00006 and 0.00025; ExAC 0.00009; 1000 Genomes Project 30x 0.00047; 1000 Genomes Project 0.00060.
gnomAD v4.1: 372 of 1,613,672 alleles (0.023%); highest among the groups gnomAD compares: East Asian, 0.81%; 4 homozygotes.

Submissions (2):

Labcorp Genetics (formerly Invitae), Labcorp
Classification: Uncertain significance for Nephronophthisis. Last evaluated: 2025-12-02. Review status: criteria provided, single submitter. Criteria: Invitae Variant Classification Sherloc (09022015). Collection method: clinical testing. Allele origin: germline.
Comment: This sequence change replaces tyrosine, which is neutral and polar, with histidine, which is basic and polar, at codon 465 of the IQCB1 protein (p.Tyr465His). This variant is present in population databases (rs147708058, gnomAD 0.07%). This variant has not been reported in the literature in individuals affected with IQCB1-related conditions. ClinVar contains an entry for this variant (Variation ID: 901543). Invitae Evidence Modeling of protein sequence and biophysical properties (such as structural, functional, and spatial information, amino acid conservation, physicochemical variation, residue mobility, and thermodynamic stability) indicates that this missense variant is not expected to disrupt IQCB1 protein function with a negative predictive value of 80%. In summary, the available evidence is currently insufficient to determine the role of this variant in disease. Therefore, it has been classified as a Variant of Uncertain Significance.

Illumina Laboratory Services, Illumina
Classification: Benign for Senior-Loken syndrome 5. Last evaluated: 2017-04-27. Review status: criteria provided, single submitter. Criteria: ICSL Variant Classification Criteria 13 December 2019. Collection method: clinical testing. Allele origin: germline.
Comment: This variant was observed as part of a predisposition screen in an ostensibly healthy population. A literature search was performed for the gene, cDNA change, and amino acid change (where applicable). No publications were found based on this search. Allele frequency data from public databases was too high to be consistent with this variant causing disease. Therefore, this variant is classified as benign.

NM_001023570.4(IQCB1):c.1393T>C (p.Tyr465His)

Gene: IQCB1 (IQ motif containing B1; minus strand). Cytogenetic location: 3q13.33.
Variant type: single nucleotide variant.
Coding change: c.1393T>C on transcript NM_001023570.4 (MANE Select); coding-DNA position 1393, T replaced by C.
Protein change: p.Tyr465His; replaces tyrosine 465 with histidine.
Molecular consequence: missense variant. On other transcripts: non-coding transcript variant (1).
Genome position (GRCh38, 1-based): chr3:121,781,760, A>G on the plus strand (T>C on the coding strand, the complement: IQCB1 is on the minus strand). VCF-style: chr3-121781760-A-G. GRCh37 (hg19) VCF-style: chr3-121500607-A-G.
Other names: c.994T>C, p.Tyr332His (NM_001023571.4); c.1393T>C, p.Tyr465His (NM_001319107.2); short protein forms Y465H, Y332H.
Identifiers: ClinVar variation 901543 (VCV000901543.7), dbSNP rs147708058, ClinGen allele CA2567112.